The following is an entry in ClinVar:

ClinVar aggregate classification (germline): Uncertain significance (1 of 4 stars; one submission).

Conditions:
Dyskeratosis congenita. Identifiers: Orphanet 1775, MedGen C0265965, MONDO:0015780.

Submission:

Ambry Genetics
Classification: Uncertain significance for Dyskeratosis congenita. Last evaluated: 2023-10-15. Review status: criteria provided, single submitter. Criteria: Ambry Variant Classification Scheme 2023. Collection method: clinical testing. Allele origin: germline.
Comment: The p.S348G variant (also known as c.1042A>G), located in coding exon 2 of the TERT gene, results from an A to G substitution at nucleotide position 1042. The serine at codon 348 is replaced by glycine, an amino acid with similar properties. This amino acid position is conserved. In addition, the in silico prediction for this alteration is inconclusive. Since supporting evidence is limited at this time, the clinical significance of this alteration remains unclear.

NM_198253.3(TERT):c.1042A>G (p.Ser348Gly)

Gene: TERT (telomerase reverse transcriptase; minus strand). Cytogenetic location: 5p15.33.
Variant type: single nucleotide variant.
Coding change: c.1042A>G on transcript NM_198253.3 (MANE Select); coding-DNA position 1042, A replaced by G.
Protein change: p.Ser348Gly; replaces serine 348 with glycine.
Molecular consequence: missense variant. On other transcripts: non-coding transcript variant (2).
Genome position (GRCh38, 1-based): chr5:1,293,844, T>C on the plus strand (A>G on the coding strand, the complement: TERT is on the minus strand). VCF-style: chr5-1293844-T-C. GRCh37 (hg19) VCF-style: chr5-1293959-T-C.
Other names: c.1042A>G, p.Ser348Gly (NM_001193376.3, NM_003219.1); short protein forms S348G.
Identifiers: ClinVar variation 3238520 (VCV003238520.1), dbSNP rs2478415551.
Genomic context (GRCh38, chr5:1,293,844, plus strand): 5'-AACCCAGAAAGATGGTCTCCACGAGCCTCCGAGCGCCAGTCAGGCTGGGCCTCAGAGAGC[T>C]GAGTAGGAAGGAGGGCCGCAGCTGCTCCTTGTCGCCTGAGGAGTAGAGGAAGTGCTTGGT-3'
Protein context (NP_937983.2, residues 338-358): KEQLRPSFLL[Ser348Gly]SLRPSLTGAR